The following is an entry in ClinVar:

ClinVar aggregate classification (germline): Likely benign (1 of 4 stars; one submission).

Allele frequency attached by ClinVar (database versions not stated): gnomAD exomes below 0.00001; gnomAD 0.00001 and 0.00002; TOPMed 0.00001.
gnomAD v4.1: 8 of 1,613,984 alleles (0.0005%); highest among the groups gnomAD compares: African/African-American, 0.004%; no homozygotes.

Submission:

GeneDx
Classification: Likely benign. Last evaluated: 2016-08-10. Review status: criteria provided, single submitter. Criteria: GeneDx Variant Classification (06012015). Collection method: clinical testing. Allele origin: germline. Affected: yes.
Comment: This variant is considered likely benign or benign based on one or more of the following criteria: it is a conservative change, it occurs at a poorly conserved position in the protein, it is predicted to be benign by multiple in silico algorithms, and/or has population frequency not consistent with disease.

NM_005609.4(PYGM):c.*11C>T

Gene: PYGM (glycogen phosphorylase, muscle associated; minus strand). Cytogenetic location: 11q13.1.
Variant type: single nucleotide variant.
Coding change: c.*11C>T on transcript NM_005609.4 (MANE Select); 11 bases downstream of the stop codon, C replaced by T.
Molecular consequence: 3 prime UTR variant.
Genome position (GRCh38, 1-based): chr11:64,746,648, G>A on the plus strand (C>T on the coding strand, the complement: PYGM is on the minus strand). VCF-style: chr11-64746648-G-A. GRCh37 (hg19) VCF-style: chr11-64514120-G-A.
Other names: c.*11C>T (NM_001164716.1).
Identifiers: ClinVar variation 388424 (VCV000388424.1), dbSNP rs763468272, ClinGen allele CA16606273.